The following is an entry in ClinVar:

ClinVar aggregate classification (germline): Benign (1 of 4 stars; one submission).

Submission:

CeGaT Center for Human Genetics Tuebingen
Classification: Benign. Last evaluated: 2023-04-01. Review status: criteria provided, single submitter. Criteria: CeGaT Center For Human Genetics Tuebingen Variant Classification Criteria Version 2. Collection method: clinical testing. Allele origin: germline. Affected: yes. Observed: 1 variant allele.
Comment: MRE11: BS1, BS2

NM_005591.4(MRE11):c.*660_*663dup

Gene: MRE11 (MRE11 double strand break repair nuclease; minus strand). Cytogenetic location: 11q21.
Variant type: Duplication.
Coding change: c.*660_*663dup on transcript NM_005591.4 (MANE Select); 660 bases downstream of the stop codon through 663 bases downstream of the stop codon, 4 bases duplicated (CCTC; older notation c.*660_*663dupCCTC).
Molecular consequence: 3 prime UTR variant.
Genome position (GRCh38, 1-based): chr11:94,419,462-94,419,465, GAGG duplicated on the plus strand (CCTC on the coding strand, the reverse complement: MRE11 is on the minus strand); duplicating any 4 consecutive bases within chr11:94,419,462-94,419,468 gives the same sequence; the c. name uses the placement nearest the transcript's 3' end. VCF-style (leftmost placement, unchanged base first): chr11-94419461-A-AGAGG. GRCh37 (hg19) VCF-style: chr11-94152627-A-AGAGG.
Other names: c.*660_*663dup (NM_001330347.2, NM_005590.4).
Identifiers: ClinVar variation 2642296 (VCV002642296.24), dbSNP rs1554996390, ClinGen allele CA226538481.
Genomic context (GRCh38, chr11:94,419,461, plus strand): 5'-CATATATGTATGAAAGAGAAGAAAAAGCAAAGGAGAAAGGAAGAGTGGGGAACGGGGGGG[A>AGAGG]GAGGGAGAGAGAGAGAGAGAGAGAGAGAGAGAGAACACCATTAAGGATACAGAATAATAA-3'